The following is an entry in ClinVar:

ClinVar aggregate classification (germline): Uncertain significance (1 of 4 stars; one submission).

Allele frequency attached by ClinVar (database versions not stated): ExAC 0.00001; TOPMed 0.00001; gnomAD exomes 0.00001.
gnomAD v4.1: 15 of 1,210,125 alleles (0.0012%); highest among the groups gnomAD compares: East Asian, 0.003%; no homozygotes.

Submission:

Labcorp Genetics (formerly Invitae), Labcorp
Classification: Uncertain significance. Last evaluated: 2025-11-23. Review status: criteria provided, single submitter. Criteria: Invitae Variant Classification Sherloc (09022015). Collection method: clinical testing. Allele origin: germline.
Comment: This sequence change replaces threonine, which is neutral and polar, with methionine, which is neutral and non-polar, at codon 88 of the SH3KBP1 protein (p.Thr88Met). The frequency data for this variant in the population databases is considered unreliable, as metrics indicate poor data quality at this position in the gnomAD database. This variant has not been reported in the literature in individuals affected with SH3KBP1-related conditions. ClinVar contains an entry for this variant (Variation ID: 2894203). Invitae Evidence Modeling of protein sequence and biophysical properties (such as structural, functional, and spatial information, amino acid conservation, physicochemical variation, residue mobility, and thermodynamic stability) indicates that this missense variant is not expected to disrupt SH3KBP1 protein function with a negative predictive value of 80%. In summary, the available evidence is currently insufficient to determine the role of this variant in disease. Therefore, it has been classified as a Variant of Uncertain Significance.

NM_031892.3(SH3KBP1):c.263C>T (p.Thr88Met)

Gene: SH3KBP1 (SH3 domain containing kinase binding protein 1; minus strand). Cytogenetic location: Xp22.12.
Variant type: single nucleotide variant.
Coding change: c.263C>T on transcript NM_031892.3 (MANE Select); coding-DNA position 263, C replaced by T.
Protein change: p.Thr88Met; replaces threonine 88 with methionine.
Molecular consequence: missense variant.
Genome position (GRCh38, 1-based): chrX:19,746,341, G>A on the plus strand (C>T on the coding strand, the complement: SH3KBP1 is on the minus strand). VCF-style: chrX-19746341-G-A. GRCh37 (hg19) VCF-style: chrX-19764459-G-A.
Other names: c.152C>T, p.Thr51Met (NM_001024666.3); c.263C>T, p.Thr88Met (NM_001353890.2, NM_001353891.2, NM_001353892.2 and 2 more transcripts); c.86C>T, p.Thr29Met (NM_001353893.2, NM_001353894.2, NM_001353895.2 and 1 more transcripts); short protein forms T88M, T29M, T51M.
Identifiers: ClinVar variation 2894203 (VCV002894203.3), dbSNP rs777591849, ClinGen allele CA10364934.